The following is an entry in ClinVar:

NM_017777.4(MKS1):c.1229A>G (p.Tyr410Cys)

Gene: MKS1 (MKS transition zone complex subunit 1; minus strand). Cytogenetic location: 17q22.
Variant type: single nucleotide variant.
Coding change: c.1229A>G on transcript NM_017777.4 (MANE Select); coding-DNA position 1229, A replaced by G.
Protein change: p.Tyr410Cys; replaces tyrosine 410 with cysteine.
Molecular consequence: missense variant.
Genome position (GRCh38, 1-based): chr17:58,207,938, T>C on the plus strand (A>G on the coding strand, the complement: MKS1 is on the minus strand). VCF-style: chr17-58207938-T-C. GRCh37 (hg19) VCF-style: chr17-56285299-T-C.
Other names: c.620A>G, p.Tyr207Cys (NM_001321268.2); c.1229A>G, p.Tyr410Cys (NM_001321269.2, NM_001330397.2, NM_001411113.1); short protein forms Y207C, Y410C.
Identifiers: ClinVar variation 3045928 (VCV003045928.2), dbSNP rs774267957, ClinGen allele CA8669226.

ClinVar aggregate classification (germline): Uncertain significance (0 of 4 stars; one submission).

Conditions:
MKS1-related disorder. Also called: MKS1-related disorders; MKS1-related condition. Identifiers: MedGen CN239382.

Allele frequency attached by ClinVar (database versions not stated): ExAC 0.00001; gnomAD 0.00001; TOPMed 0.00001.
gnomAD v4.1: 11 of 1,613,928 alleles (0.00068%); highest among the groups gnomAD compares: Admixed American, 0.0017%; no homozygotes.

Submission:

PreventionGenetics, part of Exact Sciences
Classification: Uncertain significance for MKS1-related condition. Last evaluated: 2024-07-29. Review status: no assertion criteria provided. Collection method: clinical testing. Allele origin: germline.
Comment: The MKS1 c.1229A>G variant is predicted to result in the amino acid substitution p.Tyr410Cys. To our knowledge, this variant has not been reported in the literature. This variant is reported in 0.0029% of alleles in individuals of Latino descent in gnomAD. At this time, the clinical significance of this variant is uncertain due to the absence of conclusive functional and genetic evidence.